The following is an entry in ClinVar:

NM_000038.6(APC):c.5285A>C (p.Lys1762Thr)

Gene: APC (APC regulator of Wnt signaling pathway; plus strand). Cytogenetic location: 5q22.2.
Variant type: single nucleotide variant.
Coding change: c.5285A>C on transcript NM_000038.6 (MANE Select); coding-DNA position 5285, A replaced by C.
Protein change: p.Lys1762Thr; replaces lysine 1762 with threonine.
Molecular consequence: missense variant.
Genome position (GRCh38, 1-based): chr5:112,840,879, A>C. VCF-style: chr5-112840879-A-C. GRCh37 (hg19) VCF-style: chr5-112176576-A-C.
Other names: c.5285A>C, p.Lys1762Thr (NM_001127510.3, NM_001354895.2); c.5231A>C, p.Lys1744Thr (NM_001127511.3); c.5339A>C, p.Lys1780Thr (NM_001354896.2); c.5315A>C, p.Lys1772Thr (NM_001354897.2); c.5210A>C, p.Lys1737Thr (NM_001354898.2); c.5201A>C, p.Lys1734Thr (NM_001354899.2); c.5162A>C, p.Lys1721Thr (NM_001354900.2); c.5108A>C, p.Lys1703Thr (NM_001354901.2); and 5 more; short protein forms K1744T, K1762T, K1671T, K1734T, K1636T, K1737T, K1602T, K1721T.
Identifiers: ClinVar variation 627696 (VCV000627696.18), dbSNP rs1554086604, ClinGen allele CA16032881.

ClinVar aggregate classification (germline): Uncertain significance. Review status: criteria provided, multiple submitters, no conflicts (2 of 4 stars). 4 submissions from 4 submitters: Uncertain significance (4). Last evaluated 2025-02-09.

Conditions:
Familial adenomatous polyposis 1 (FAP1). Also called: FAMILIAL ADENOMATOUS POLYPOSIS 1, ATTENUATED; POLYPOSIS, ADENOMATOUS INTESTINAL. Identifiers: MedGen C2713442, MONDO:0021056, OMIM 175100. Disease mechanism: loss of function.
Classic or attenuated familial adenomatous polyposis. Identifiers: MedGen CN372698, MONDO:0021057.
Hereditary cancer-predisposing syndrome. Also called: Tumor predisposition; Hereditary Cancer Syndrome; Neoplastic Syndromes, Hereditary; Hereditary neoplastic syndrome. Identifiers: Orphanet 140162, MedGen C0027672, MeSH D009386, MONDO:0015356.

gnomAD v4.1: 1 of 1,614,024 alleles (0.000062%); highest among the groups gnomAD compares: Non-Finnish European, 0.000085%; no homozygotes.

Submissions (4):

Ambry Genetics
Classification: Uncertain significance for Hereditary cancer-predisposing syndrome. Last evaluated: 2025-02-09. Review status: criteria provided, single submitter. Criteria: Ambry Variant Classification Scheme 2023. Collection method: clinical testing. Allele origin: germline.
Comment: The p.K1762T variant (also known as c.5285A>C), located in coding exon 15 of the APC gene, results from an A to C substitution at nucleotide position 5285. The lysine at codon 1762 is replaced by threonine, an amino acid with similar properties. This amino acid position is conserved. In addition, in silico predictors for this gene do not accurately predict pathogenicity. Based on the available evidence, the clinical significance of this variant remains unclear.

All of Us Research Program, National Institutes of Health
Classification: Uncertain significance for Classic or attenuated familial adenomatous polyposis. Last evaluated: 2024-05-30. Review status: criteria provided, single submitter. Criteria: ACMG Guidelines, 2015. Collection method: clinical testing. Allele origin: germline. Inheritance: Autosomal dominant inheritance. Observed: 1 variant allele, 1 heterozygote.
Comment: This missense variant replaces lysine with threonine at codon 1762 of the APC protein. Computational prediction suggests that this variant may not impact protein structure and function (internally defined REVEL score threshold <= 0.5, PMID: 27666373). To our knowledge, functional studies have not been reported for this variant. This variant has not been reported in individuals affected with APC-related disorders in the literature. This variant has not been identified in the general population by the Genome Aggregation Database (gnomAD). The available evidence is insufficient to determine the role of this variant in disease conclusively. Therefore, this variant is classified as a Variant of Uncertain Significance.

This study involves interpretation of variants in research participants for the purpose of population health screening. Participant phenotype was not available at the time of variant classification. Additional details can be found in publication PMID: 35346344, PMCID: PMC8962531

Color Diagnostics, LLC DBA Color Health
Classification: Uncertain significance for Hereditary cancer-predisposing syndrome. Last evaluated: 2023-12-05. Review status: criteria provided, single submitter. Criteria: ACMG Guidelines, 2015. Collection method: clinical testing. Allele origin: germline.
Comment: This missense variant replaces lysine with threonine at codon 1762 of the APC protein. Computational prediction suggests that this variant may not impact protein structure and function (internally defined REVEL score threshold <= 0.5, PMID: 27666373). To our knowledge, functional studies have not been reported for this variant. This variant has not been reported in individuals affected with APC-related disorders in the literature. This variant has not been identified in the general population by the Genome Aggregation Database (gnomAD). The available evidence is insufficient to determine the role of this variant in disease conclusively. Therefore, this variant is classified as a Variant of Uncertain Significance.

Labcorp Genetics (formerly Invitae), Labcorp
Classification: Uncertain significance for Familial adenomatous polyposis 1. Last evaluated: 2023-05-08. Review status: criteria provided, single submitter. Criteria: Invitae Variant Classification Sherloc (09022015). Collection method: clinical testing. Allele origin: germline.
Comment: This variant is not present in population databases (gnomAD no frequency). This sequence change replaces lysine, which is basic and polar, with threonine, which is neutral and polar, at codon 1762 of the APC protein (p.Lys1762Thr). This variant has not been reported in the literature in individuals affected with APC-related conditions. ClinVar contains an entry for this variant (Variation ID: 627696). Advanced modeling of protein sequence and biophysical properties (such as structural, functional, and spatial information, amino acid conservation, physicochemical variation, residue mobility, and thermodynamic stability) performed at Invitae indicates that this missense variant is not expected to disrupt APC protein function. In summary, the available evidence is currently insufficient to determine the role of this variant in disease. Therefore, it has been classified as a Variant of Uncertain Significance.